The following is an entry in ClinVar:

ClinVar aggregate classification (germline): Uncertain significance (1 of 4 stars; one submission).

Allele frequency attached by ClinVar (database versions not stated): gnomAD exomes below 0.00001; gnomAD 0.00001; TOPMed 0.00001.
gnomAD v4.1: 2 of 1,607,150 alleles (0.00012%); highest among the groups gnomAD compares: African/African-American, 0.0027%; no homozygotes.

Submission:

Labcorp Genetics (formerly Invitae), Labcorp
Classification: Uncertain significance. Last evaluated: 2022-07-05. Review status: criteria provided, single submitter. Criteria: Invitae Variant Classification Sherloc (09022015). Collection method: clinical testing. Allele origin: germline.
Comment: In summary, the available evidence is currently insufficient to determine the role of this variant in disease. Therefore, it has been classified as a Variant of Uncertain Significance. Advanced modeling of protein sequence and biophysical properties (such as structural, functional, and spatial information, amino acid conservation, physicochemical variation, residue mobility, and thermodynamic stability) performed at Invitae indicates that this missense variant is not expected to disrupt CPLANE1 protein function. ClinVar contains an entry for this variant (Variation ID: 1393675). This variant has not been reported in the literature in individuals affected with CPLANE1-related conditions. This variant is not present in population databases (gnomAD no frequency). This sequence change replaces valine, which is neutral and non-polar, with methionine, which is neutral and non-polar, at codon 1311 of the CPLANE1 protein (p.Val1311Met).

NM_001384732.1(CPLANE1):c.3931G>A (p.Val1311Met)

Gene: CPLANE1 (ciliogenesis and planar polarity effector complex subunit 1; minus strand). Cytogenetic location: 5p13.2.
Variant type: single nucleotide variant.
Coding change: c.3931G>A on transcript NM_001384732.1 (MANE Select); coding-DNA position 3931, G replaced by A.
Protein change: p.Val1311Met; replaces valine 1311 with methionine.
Molecular consequence: missense variant.
Genome position (GRCh38, 1-based): chr5:37,187,563, C>T on the plus strand (G>A on the coding strand, the complement: CPLANE1 is on the minus strand). VCF-style: chr5-37187563-C-T. GRCh37 (hg19) VCF-style: chr5-37187665-C-T.
Other names: c.3931G>A, p.Val1311Met (NM_023073.4); short protein forms V1311M.
Identifiers: ClinVar variation 1393675 (VCV001393675.8), dbSNP rs372325164, ClinGen allele CA117071225.